The following is an entry in ClinVar:

NM_001040108.2(MLH3):c.2888G>C (p.Cys963Ser)

Gene: MLH3 (mutL homolog 3; minus strand). Cytogenetic location: 14q24.3.
Variant type: single nucleotide variant.
Coding change: c.2888G>C on transcript NM_001040108.2 (MANE Select); coding-DNA position 2888, G replaced by C.
Protein change: p.Cys963Ser; replaces cysteine 963 with serine.
Molecular consequence: missense variant.
Genome position (GRCh38, 1-based): chr14:75,046,768, C>G on the plus strand (G>C on the coding strand, the complement: MLH3 is on the minus strand). VCF-style: chr14-75046768-C-G. GRCh37 (hg19) VCF-style: chr14-75513471-C-G.
Other names: c.2888G>C, p.Cys963Ser (NM_014381.3); short protein forms C963S.
Identifiers: ClinVar variation 2796436 (VCV002796436.3), dbSNP rs1247429007, ClinGen allele CA390437752.

ClinVar aggregate classification (germline): Uncertain significance (1 of 4 stars; one submission).

Conditions:
Colorectal cancer, hereditary nonpolyposis, type 7. Identifiers: Orphanet 144, MedGen C1858380, MONDO:0013725, OMIM 614385.

Submission:

Labcorp Genetics (formerly Invitae), Labcorp
Classification: Uncertain significance for Colorectal cancer, hereditary nonpolyposis, type 7. Last evaluated: 2023-11-21. Review status: criteria provided, single submitter. Criteria: Invitae Variant Classification Sherloc (09022015). Collection method: clinical testing. Allele origin: germline.
Comment: This sequence change replaces cysteine, which is neutral and slightly polar, with serine, which is neutral and polar, at codon 963 of the MLH3 protein (p.Cys963Ser). This variant is not present in population databases (gnomAD no frequency). This variant has not been reported in the literature in individuals affected with MLH3-related conditions. Algorithms developed to predict the effect of missense changes on protein structure and function output the following: SIFT: "Not Available"; PolyPhen-2: "Benign"; Align-GVGD: "Not Available". The serine amino acid residue is found in multiple mammalian species, which suggests that this missense change does not adversely affect protein function. In summary, the available evidence is currently insufficient to determine the role of this variant in disease. Therefore, it has been classified as a Variant of Uncertain Significance.